The following is an entry in ClinVar:

ClinVar aggregate classification (germline): Likely pathogenic (1 of 4 stars; one submission).

Conditions:
Autosomal recessive limb-girdle muscular dystrophy type 2J (LGMDR10). Also called: Limb-girdle muscular dystrophy, type 2J; MUSCULAR DYSTROPHY, LIMB-GIRDLE, AUTOSOMAL RECESSIVE 10. Identifiers: Orphanet 140922, MedGen C1837342, MONDO:0012127, OMIM 608807.
Dilated cardiomyopathy 1G (CMD1G). Identifiers: Orphanet 154, MedGen C1858763, MONDO:0011400, OMIM 604145.

Submission:

Labcorp Genetics (formerly Invitae), Labcorp
Classification: Likely pathogenic for Dilated cardiomyopathy 1G; Autosomal recessive limb-girdle muscular dystrophy type 2J. Last evaluated: 2023-12-06. Review status: criteria provided, single submitter. Criteria: Invitae Variant Classification Sherloc (09022015). Collection method: clinical testing. Allele origin: germline.
Comment: This sequence change creates a premature translational stop signal (p.Lys34560*) in the TTN gene. While this is not anticipated to result in nonsense mediated decay, it is expected to create a truncated TTN protein. This variant is not present in population databases (gnomAD no frequency). This variant has not been reported in the literature in individuals affected with TTN-related conditions. ClinVar contains an entry for this variant (Variation ID: 2014004). This variant is located in the M band of TTN (PMID: 25589632). Truncating variants in this region have been previously reported in individuals affected with autosomal recessive myopathy and muscular dystrophy (PMID: 18948003, 23975875, 24395473). Truncating variants in this region have also been identified in individuals affected with autosomal dominant dilated cardiomyopathy and/or cardio-related conditions (PMID: 27869827, 32964742). In summary, the currently available evidence indicates that the variant is pathogenic, but additional data are needed to prove that conclusively. Therefore, this variant has been classified as Likely Pathogenic.

Literature cited by the submitters: PubMed 25589632; PubMed 18948003; PubMed 23975875; PubMed 24395473; PubMed 27869827; PubMed 32964742.

NM_001267550.2(TTN):c.103678A>T (p.Lys34560Ter)

Genes: TTN (titin; minus strand), TTN-AS1 (TTN antisense RNA 1; plus strand). Cytogenetic location: 2q31.2.
Variant type: single nucleotide variant.
Coding change: c.103678A>T on transcript NM_001267550.2 (MANE Select); coding-DNA position 103678, A replaced by T.
Protein change: p.Lys34560Ter; replaces lysine 34560 with a stop codon.
Molecular consequence: nonsense.
Genome position (GRCh38, 1-based): chr2:178,532,937, T>A on the plus strand (A>T on the coding strand, the complement: TTN is on the minus strand). VCF-style: chr2-178532937-T-A. GRCh37 (hg19) VCF-style: chr2-179397664-T-A.
Other names: c.98755A>T, p.Lys32919Ter (NM_001256850.1); c.76483A>T, p.Lys25495Ter (NM_003319.4); c.95974A>T, p.Lys31992Ter (NM_133378.4); c.76858A>T, p.Lys25620Ter (NM_133432.3); c.77059A>T, p.Lys25687Ter (NM_133437.4); short protein forms K32919*, K25687*, K34560*, K25495*, K25620*, K31992*.
Identifiers: ClinVar variation 2014004 (VCV002014004.4), dbSNP rs2468471502, ClinGen allele CA349413753.
Genomic context (GRCh38, chr2:178,532,937, plus strand): 5'-TTTCATACTGATCACGTATCTTTTTATACCACTTCATGTCAGACATGGGCACGAACTGCT[T>A]GATGCGTTGGTCTTCTTCTATGGTAGTCTGCTTATACTTGCGTGGCTCTGGTACATCATA-3'